The following is an entry in ClinVar:

NM_000057.4(BLM):c.1087G>A (p.Ala363Thr)

Gene: BLM (BLM RecQ like helicase; plus strand). Cytogenetic location: 15q26.1.
Variant type: single nucleotide variant.
Coding change: c.1087G>A on transcript NM_000057.4 (MANE Select); coding-DNA position 1087, G replaced by A.
Protein change: p.Ala363Thr; replaces alanine 363 with threonine.
Molecular consequence: missense variant. On other transcripts: 5 prime UTR variant (1).
Genome position (GRCh38, 1-based): chr15:90,754,938, G>A. VCF-style: chr15-90754938-G-A. GRCh37 (hg19) VCF-style: chr15-91298168-G-A.
Other names: c.1087G>A, p.Ala363Thr (NM_001287246.2, NM_001287247.2); c.-205G>A (NM_001287248.2); short protein forms A363T.
Identifiers: ClinVar variation 454062 (VCV000454062.23), dbSNP rs200364297, ClinGen allele CA7738420.

ClinVar aggregate classification (germline): Uncertain significance. Review status: criteria provided, multiple submitters, no conflicts (2 of 4 stars). 6 submissions from 6 submitters: Uncertain significance (5). 1 of the submissions does not count toward it. Last evaluated 2025-03-21.

Conditions:
Hereditary cancer-predisposing syndrome. Also called: Neoplastic Syndromes, Hereditary; Hereditary Cancer Syndrome; Hereditary neoplastic syndrome; Tumor predisposition. Identifiers: Orphanet 140162, MedGen C0027672, MeSH D009386, MONDO:0015356.
Bloom syndrome (BLM). Also called: Bloom-Torre-Machacek syndrome. Identifiers: Orphanet 125, MedGen C0005859, MONDO:0008876, OMIM 210900.

Allele frequency attached by ClinVar (database versions not stated): ExAC 0.00006; ESP Exome Variant Server 0.00008; TOPMed 0.00004; gnomAD exomes 0.00008; gnomAD 0.00011 and 0.00012.
gnomAD v4.1: 68 of 1,613,450 alleles (0.0042%); highest among the groups gnomAD compares: Middle Eastern, 0.016%; no homozygotes.

Submissions (6):

GeneDx
Classification: Uncertain significance. Last evaluated: 2025-03-21. Review status: criteria provided, single submitter. Criteria: GeneDx Variant Classification Process June 2021. Collection method: clinical testing. Allele origin: germline. Affected: yes.
Comment: Alters the last nucleotide of the exon and is predicted to destroy the splice donor site and result in aberrant splicing, although in the absence of functional evidence the actual effect of this sequence change is unknown; In silico analysis supports a deleterious effect on splicing; In silico analysis indicates that this missense variant does not alter protein structure/function; Has not been previously published as pathogenic or benign to our knowledge

Labcorp Genetics (formerly Invitae), Labcorp
Classification: Uncertain significance for Bloom syndrome. Last evaluated: 2024-10-25. Review status: criteria provided, single submitter. Criteria: Invitae Variant Classification Sherloc (09022015). Collection method: clinical testing. Allele origin: germline.
Comment: This sequence change replaces alanine, which is neutral and non-polar, with threonine, which is neutral and polar, at codon 363 of the BLM protein (p.Ala363Thr). This variant also falls at the last nucleotide of exon 5, which is part of the consensus splice site for this exon. This variant is present in population databases (rs200364297, gnomAD 0.1%). This variant has not been reported in the literature in individuals affected with BLM-related conditions. ClinVar contains an entry for this variant (Variation ID: 454062). An algorithm developed to predict the effect of missense changes on protein structure and function (PolyPhen-2) suggests that this variant¬†is likely to be tolerated. Variants that disrupt the consensus splice site are a relatively common cause of aberrant splicing (PMID: 17576681, 9536098). Studies have shown that this missense change is associated with inconclusive levels of altered splicing (internal data). In summary, the available evidence is currently insufficient to determine the role of this variant in disease. Therefore, it has been classified as a Variant of Uncertain Significance.

Blueprint Genetics
Classification: Uncertain significance. Last evaluated: 2024-10-10. Review status: criteria provided, single submitter. Criteria: ACMG Guidelines, 2015. Collection method: clinical testing. Allele origin: germline.

Ambry Genetics
Classification: Uncertain significance for Hereditary cancer-predisposing syndrome. Last evaluated: 2024-05-09. Review status: criteria provided, single submitter. Criteria: Ambry Variant Classification Scheme 2023. Collection method: clinical testing. Allele origin: germline.
Comment: The p.A363T variant (also known as c.1087G>A), located in coding exon 4 of the BLM gene, results from a G to A substitution at nucleotide position 1087. The amino acid change results in alanine to threonine at codon 363, an amino acid with similar properties. However, this change occurs in the last base pair of coding exon 4, which makes it likely to have some effect on normal mRNA splicing. This nucleotide position is highly conserved in available vertebrate species. This amino acid position is not well conserved in available vertebrate species. In silico splice site analysis predicts that this alteration will weaken the native splice donor site. In addition, as a missense substitution this is predicted to be tolerated by in silico analysis. Based on the available evidence, the clinical significance of this variant remains unclear.

St. Jude Molecular Pathology, St. Jude Children's Research Hospital
Classification: Uncertain significance for Bloom syndrome. Last evaluated: 2022-01-06. Review status: criteria provided, single submitter. Criteria: St. Jude Assertion Criteria 2020. Collection method: clinical testing. Allele origin: germline.
Comment: The BLM c.1087G>A (p.Ala363Thr) missense change has a maximum subpopulation frequency of 0.088% in gnomAD v2.1.1. This variant is located adjacent to the donor splice site of intron 5. This variant is predicted to result in loss of the native splice donor site (PP3) and skipping of exon 5 has been confirmed by RNA studies (PS3_supporting; internal data). To our knowledge, this variant has not been reported in individuals with Bloom syndrome. In summary, this variant meets criteria to be classified as of uncertain significance based on the ACMG/AMP criteria: BS3_supporting, PP3.

Natera, Inc.
Classification: Uncertain significance for Bloom syndrome. Last evaluated: 2018-10-16. Review status: no assertion criteria provided. Collection method: clinical testing. Allele origin: germline. Not counted in ClinVar's aggregate classification.

Literature cited by the submitters: PubMed 17576681 (cited by Labcorp Genetics (formerly Invitae), Labcorp); PubMed 9536098 (cited by Labcorp Genetics (formerly Invitae), Labcorp).